The following is an entry in ClinVar:

Conditions:
Breast-ovarian cancer, familial, susceptibility to, 1 (BROVCA1). Also called: BRCA1 Hereditary Breast and Ovarian Cancer; OVARIAN CANCER, SUSCEPTIBILITY TO. Identifiers: Orphanet 145, MedGen C2676676, MONDO:0011450, OMIM 604370. Disease mechanism: loss of function.

Submission:

Brotman Baty Institute, University of Washington
No classification provided (evidence only). Condition: Breast-ovarian cancer, familial 1. Review status: no classification provided. Collection method: in vitro. Allele origin: not applicable. Functional consequence: functionally_normal.
ClinVar note: "not provided" was previously submitted as the classification for the variant. However, the classification appeared to be based only on an observation of functional data so it was converted to no classification on 2025-07-30.

NM_007294.4(BRCA1):c.5407-12C>G

Gene: BRCA1 (BRCA1 DNA repair associated; minus strand). Cytogenetic location: 17q21.31.
Variant type: single nucleotide variant.
Coding change: c.5407-12C>G on transcript NM_007294.4 (MANE Select); 12 bases into the intron before coding-DNA position 5407, C replaced by G.
Molecular consequence: intron variant.
Genome position (GRCh38, 1-based): chr17:43,047,715, G>C on the plus strand (C>G on the coding strand, the complement: BRCA1 is on the minus strand). VCF-style: chr17-43047715-G-C. GRCh37 (hg19) VCF-style: chr17-41199732-G-C.
Other names: c.1954-12C>G (NM_001408458.1, NM_001408461.1, NM_001408464.1 and 7 more transcripts); c.4516-12C>G (NM_001407967.1); c.5026-12C>G (NM_001407959.1); c.5140-12C>G (NM_001407931.1, NM_001407932.1, NM_001407928.1 and 4 more transcripts); c.5263-12C>G (NM_001407747.1, NM_001407745.1, NM_001407737.1 and 18 more transcripts); c.5023-12C>G (NM_001407962.1, NM_001407960.1); c.1594-12C>G (NM_001408512.1); c.1717-12C>G (NM_001408510.1); and 83 more.
Identifiers: ClinVar variation 868067 (VCV000868067.3), dbSNP rs1432221089, ClinGen allele CA916080794.